The following is an entry in ClinVar:

ClinVar aggregate classification (germline): Uncertain significance. Review status: criteria provided, multiple submitters, no conflicts (2 of 4 stars). 2 submissions from 2 submitters: Uncertain significance (2). Last evaluated 2026-02-01.

Conditions:
Dilated cardiomyopathy 1G (CMD1G). Identifiers: Orphanet 154, MedGen C1858763, MONDO:0011400, OMIM 604145.
Autosomal recessive limb-girdle muscular dystrophy type 2J (LGMDR10). Also called: Limb-girdle muscular dystrophy, type 2J; MUSCULAR DYSTROPHY, LIMB-GIRDLE, AUTOSOMAL RECESSIVE 10. Identifiers: Orphanet 140922, MedGen C1837342, MONDO:0012127, OMIM 608807.

Allele frequency attached by ClinVar (database versions not stated): gnomAD exomes below 0.00001; ExAC 0.00001; gnomAD 0.00001; TOPMed 0.00002; ESP Exome Variant Server 0.00008.

Submissions (2):

CeGaT Center for Human Genetics Tuebingen
Classification: Uncertain significance. Last evaluated: 2026-02-01. Review status: criteria provided, single submitter. Criteria: CeGaT Center For Human Genetics Tuebingen Variant Classification Criteria Version 2. Collection method: clinical testing. Allele origin: germline. Affected: yes. Observed: 1 variant allele.
Comment: TTN: PM2, BP4

Labcorp Genetics (formerly Invitae), Labcorp
Classification: Uncertain significance for Dilated cardiomyopathy 1G; Autosomal recessive limb-girdle muscular dystrophy type 2J. Last evaluated: 2017-01-27. Review status: criteria provided, single submitter. Criteria: Invitae Variant Classification Sherloc (09022015). Collection method: clinical testing. Allele origin: germline.

NM_001267550.2(TTN):c.74482C>G (p.Leu24828Val)

Genes: TTN-AS1 (TTN antisense RNA 1; plus strand), TTN (titin; minus strand). Cytogenetic location: 2q31.2.
Variant type: single nucleotide variant.
Coding change: c.74482C>G on transcript NM_001267550.2 (MANE Select); coding-DNA position 74482, C replaced by G.
Protein change: p.Leu24828Val; replaces leucine 24828 with valine.
Molecular consequence: missense variant.
Genome position (GRCh38, 1-based): chr2:178,571,650, G>C on the plus strand (C>G on the coding strand, the complement: TTN is on the minus strand). VCF-style: chr2-178571650-G-C. GRCh37 (hg19) VCF-style: chr2-179436377-G-C.
Other names: c.69559C>G, p.Leu23187Val (NM_001256850.1); c.47287C>G, p.Leu15763Val (NM_003319.4); c.66778C>G, p.Leu22260Val (NM_133378.4); c.47662C>G, p.Leu15888Val (NM_133432.3); c.47863C>G, p.Leu15955Val (NM_133437.4); short protein forms L24828V, L15888V, L23187V, L22260V, L15763V, L15955V.
Identifiers: ClinVar variation 467467 (VCV000467467.7), dbSNP rs375181431, ClinGen allele CA1990190.
Genomic context (GRCh38, chr2:178,571,650, plus strand): 5'-TCTCAACAATGTAATTATTGATAGAACTTCCACCATCATACTTGGGTGGGCCCCAGGAAA[G>C]AGTAATACTATCAGCTGTCACTTCATCCATTTTAACTGGTCCAGTTGGAGGCCCTGGTTT-3'
Protein context (NP_001254479.2, residues 24818-24838): MDEVTADSIT[Leu24828Val]SWGPPKYDGG